The following is an entry in ClinVar:

NM_015346.4(ZFYVE26):c.3343del (p.Ala1115fs)

Gene: ZFYVE26 (zinc finger FYVE-type containing 26; minus strand). Cytogenetic location: 14q24.1.
Variant type: Deletion.
Coding change: c.3343del on transcript NM_015346.4 (MANE Select); coding-DNA position 3343, one base deleted (G; older notation c.3343delG).
Protein change: p.Ala1115fs; shifts the reading frame from alanine 1115.
Molecular consequence: frameshift variant.
Genome position (GRCh38, 1-based): chr14:67,785,239, C deleted on the plus strand (G on the coding strand, the reverse complement: ZFYVE26 is on the minus strand); the first of 2 consecutive C bases (chr14:67,785,239-67,785,240); deleting either gives the same sequence. VCF-style (leftmost placement, unchanged base first): chr14-67785238-GC-G. GRCh37 (hg19) VCF-style: chr14-68251955-GC-G.
Other names: short protein forms A1115fs.
Identifiers: ClinVar variation 5012682 (VCV005012682.1).
Genomic context (GRCh38, chr14:67,785,238, plus strand): 5'-TGGAGGAGCTGAGTCTGGATCTGCACAGGGTGGGCCTCTGCCTCTGGAGCTTTCTGGGCT[GC>G]CTGCTCCACCAGGGAAGACAGTGGAGGAGTCCTGGGCTCTGAGAGGAGGATGGCAGGAGA-3'

ClinVar aggregate classification (germline): Pathogenic (1 of 4 stars; one submission).

Conditions:
Hereditary spastic paraplegia 15 (SPG15). Also called: SPASTIC PARAPLEGIA 15, AUTOSOMAL RECESSIVE; KJELLIN SYNDROME; SPASTIC PARAPLEGIA AND RETINAL DEGENERATION. Identifiers: Orphanet 100996, MedGen C1849128, MONDO:0010044, OMIM 270700.

Submission:

Myriad Genetics, Inc.
Classification: Pathogenic for Hereditary spastic paraplegia 15. Last evaluated: 2024-01-25. Review status: criteria provided, single submitter. Criteria: Myriad Autosomal Dominant, Autosomal Recessive and X-Linked Classification Criteria (2023). Collection method: clinical testing. Allele origin: unknown.
Comment: NM_015346.3(ZFYVE26):c.3343delG(A1115Qfs*56) is expected to be pathogenic in the context of spastic paraplegia type 15. This variant is predicted to lead to an abnormal or absent protein product due to the creation of a premature termination codon in ZFYVE26, a gene where loss-of-function variants are known to be pathogenic. Please note: this variant was assessed in the context of healthy population screening.